The following is an entry in ClinVar:

ClinVar aggregate classification (germline): Benign/Likely benign. Review status: criteria provided, multiple submitters, no conflicts (2 of 4 stars). 3 submissions from 3 submitters: Benign (1); Likely benign (2). Last evaluated 2026-05-05.

Conditions:
Colorectal cancer, hereditary nonpolyposis, type 7. Identifiers: Orphanet 144, MedGen C1858380, MONDO:0013725, OMIM 614385.

Allele frequency attached by ClinVar (database versions not stated): gnomAD exomes below 0.00001; TOPMed below 0.00001; gnomAD 0.00001.
gnomAD v4.1: 7 of 1,614,016 alleles (0.00043%); highest among the groups gnomAD compares: East Asian, 0.0045%; no homozygotes.

Submissions (3):

Myriad Genetics, Inc.
Classification: Benign for Colorectal cancer, hereditary nonpolyposis, type 7. Last evaluated: 2026-05-05. Review status: criteria provided, single submitter. Criteria: Myriad Autosomal Dominant, Autosomal Recessive and X-Linked Classification Criteria (2023). Collection method: clinical testing. Allele origin: unknown.
Comment: This variant is considered benign. This variant is a silent/synonymous amino acid change and it is not expected to impact splicing.

Labcorp Genetics (formerly Invitae), Labcorp
Classification: Likely benign for Colorectal cancer, hereditary nonpolyposis, type 7. Last evaluated: 2025-03-05. Review status: criteria provided, single submitter. Criteria: Invitae Variant Classification Sherloc (09022015). Collection method: clinical testing. Allele origin: germline.

Ambry Genetics
Classification: Likely benign. Last evaluated: 2020-09-17. Review status: criteria provided, single submitter. Criteria: Ambry Variant Classification Scheme 2023. Collection method: clinical testing. Allele origin: germline.

NM_001040108.2(MLH3):c.2916G>A (p.Leu972=)

Gene: MLH3 (mutL homolog 3; minus strand). Cytogenetic location: 14q24.3.
Variant type: single nucleotide variant.
Coding change: c.2916G>A on transcript NM_001040108.2 (MANE Select); coding-DNA position 2916, G replaced by A.
Protein change: p.Leu972=; no amino-acid change (leucine 972 retained).
Molecular consequence: synonymous variant.
Genome position (GRCh38, 1-based): chr14:75,046,740, C>T on the plus strand (G>A on the coding strand, the complement: MLH3 is on the minus strand). VCF-style: chr14-75046740-C-T. GRCh37 (hg19) VCF-style: chr14-75513443-C-T.
Other names: c.2916G>A, p.Leu972= (NM_014381.3).
Identifiers: ClinVar variation 1149092 (VCV001149092.12), dbSNP rs1339430285, ClinGen allele CA487273479.
Genomic context (GRCh38, chr14:75,046,740, plus strand): 5'-TTCTGAGGCTCTGATAAGAACATCTGAATCTTTACCGGTAACTTTAGAATTATTATAGGG[C>T]AATACCAAAGGAGTTTCTGATATCACACAGTTCTCTGTTGTATTGCTGTTAGAATGTGTT-3'
Protein context (NP_001035197.1, residues 962-982): NCVISETPLV[Leu972=]PYNNSKVTGK